The following is an entry in ClinVar:

NM_020461.4(TUBGCP6):c.3466C>T (p.Pro1156Ser)

Gene: TUBGCP6 (tubulin gamma complex component 6; minus strand). Cytogenetic location: 22q13.33.
Variant type: single nucleotide variant.
Coding change: c.3466C>T on transcript NM_020461.4 (MANE Select); coding-DNA position 3466, C replaced by T.
Protein change: p.Pro1156Ser; replaces proline 1156 with serine.
Molecular consequence: missense variant.
Genome position (GRCh38, 1-based): chr22:50,220,893, G>A on the plus strand (C>T on the coding strand, the complement: TUBGCP6 is on the minus strand). VCF-style: chr22-50220893-G-A. GRCh37 (hg19) VCF-style: chr22-50659322-G-A.
Other names: short protein forms P1156S.
Identifiers: ClinVar variation 4700795 (VCV004700795.1).

ClinVar aggregate classification (germline): Uncertain significance (1 of 4 stars; one submission).

Submission:

Labcorp Genetics (formerly Invitae), Labcorp
Classification: Uncertain significance. Last evaluated: 2025-04-18. Review status: criteria provided, single submitter. Criteria: Invitae Variant Classification Sherloc (09022015). Collection method: clinical testing. Allele origin: germline.
Comment: This sequence change replaces proline, which is neutral and non-polar, with serine, which is neutral and polar, at codon 1156 of the TUBGCP6 protein (p.Pro1156Ser). This variant is not present in population databases (gnomAD no frequency). This variant has not been reported in the literature in individuals affected with TUBGCP6-related conditions. Experimental studies and prediction algorithms are not available or were not evaluated, and the functional significance of this variant is currently unknown. In summary, the available evidence is currently insufficient to determine the role of this variant in disease. Therefore, it has been classified as a Variant of Uncertain Significance.